The following is an entry in ClinVar:

NM_000243.3(MEFV):c.2078T>C (p.Met693Thr)

Genes: MEFV (MEFV innate immunity regulator, pyrin; minus strand), LOC126862264 (CDK7 strongly-dependent group 2 enhancer GRCh37_chr16:3293322-3294521; plus strand). Cytogenetic location: 16p13.3.
Variant type: single nucleotide variant.
Coding change: c.2078T>C on transcript NM_000243.3 (MANE Select); coding-DNA position 2078, T replaced by C.
Protein change: p.Met693Thr; replaces methionine 693 with threonine.
Molecular consequence: missense variant. On other transcripts: 3 prime UTR variant (1).
Genome position (GRCh38, 1-based): chr16:3,243,409, A>G on the plus strand (T>C on the coding strand, the complement: MEFV is on the minus strand). VCF-style: chr16-3243409-A-G. GRCh37 (hg19) VCF-style: chr16-3293409-A-G.
Other names: c.*282T>C (NM_001198536.2); short protein forms M693T.
Identifiers: ClinVar variation 1478684 (VCV001478684.10), dbSNP rs749052818, ClinGen allele CA394486148.
Genomic context (GRCh38, chr16:3,243,409, plus strand): 5'-TCCTTTATTAGCAGGCGGGTCGGGGGAACGCTGGACGCCTGGTACTCATTTTCCTTCATC[A>G]TTATCACCACCCAGTAGCCATTCTCTGGCGACAGAGTCATGTTCCCTTTCCTGCTTATGG-3'
Protein context (NP_000234.1, residues 683-703): SPENGYWVVI[Met693Thr]MKENEYQASS

ClinVar aggregate classification (germline): Conflicting classifications of pathogenicity. Review status: criteria provided, conflicting classifications (1 of 4 stars). 5 submissions from 3 submitters: Uncertain significance (2); Benign (3). Last evaluated 2024-11-25.

Conditions:
Familial Mediterranean fever, autosomal dominant. Also called: FMF, AUTOSOMAL DOMINANT; Dominant Familial Mediterranean Fever. Identifiers: Orphanet 342, MedGen C1851347, MONDO:0007601, OMIM 134610.
Acute febrile neutrophilic dermatosis (AFND). Also called: Sweet Syndrome; Gomm Button disease. Identifiers: Orphanet 3243, MedGen C0085077, MONDO:0011959, OMIM 608068.
Familial Mediterranean fever (FMF). Also called: POLYSEROSITIS, FAMILIAL PAROXYSMAL; POLYSEROSITIS, RECURRENT; Periodic peritonitis; Benign paroxysmal peritonitis. Identifiers: Orphanet 342, MedGen C0031069, MONDO:0018088, OMIM 249100. Disease mechanism: gain of function.

Allele frequency attached by ClinVar (database versions not stated): gnomAD exomes 0.00001; gnomAD 0.00001; TOPMed 0.00001.

Submissions (5):

Labcorp Genetics (formerly Invitae), Labcorp
Classification: Uncertain significance for Familial Mediterranean fever. Last evaluated: 2024-11-25. Review status: criteria provided, single submitter. Criteria: Invitae Variant Classification Sherloc (09022015). Collection method: clinical testing. Allele origin: germline.
Comment: This sequence change replaces methionine, which is neutral and non-polar, with threonine, which is neutral and polar, at codon 693 of the MEFV protein (p.Met693Thr). This variant is present in population databases (no rsID available, gnomAD 0.003%). This variant has not been reported in the literature in individuals affected with MEFV-related conditions. ClinVar contains an entry for this variant (Variation ID: 1478684). An algorithm developed to predict the effect of missense changes on protein structure and function (PolyPhen-2) suggests that this variant is likely to be disruptive. In summary, the available evidence is currently insufficient to determine the role of this variant in disease. Therefore, it has been classified as a Variant of Uncertain Significance.

Genome-Nilou Lab
Classification: Benign for Familial Mediterranean fever. Last evaluated: 2023-02-08. Review status: criteria provided, single submitter. Criteria: ACMG Guidelines, 2015. Collection method: clinical testing. Allele origin: germline.

Genome-Nilou Lab
Classification: Benign for Familial Mediterranean fever, autosomal dominant. Last evaluated: 2023-02-08. Review status: criteria provided, single submitter. Criteria: ACMG Guidelines, 2015. Collection method: clinical testing. Allele origin: germline.

Genome-Nilou Lab
Classification: Benign for Acute febrile neutrophilic dermatosis. Last evaluated: 2023-02-08. Review status: criteria provided, single submitter. Criteria: ACMG Guidelines, 2015. Collection method: clinical testing. Allele origin: germline.

Fulgent Genetics
Classification: Uncertain significance for Familial Mediterranean fever, autosomal dominant; Familial Mediterranean fever; Acute febrile neutrophilic dermatosis. Last evaluated: 2021-07-11. Review status: criteria provided, single submitter. Criteria: ACMG Guidelines, 2015. Collection method: clinical testing. Allele origin: unknown.